The following is an entry in ClinVar:

NM_000094.4(COL7A1):c.409C>T (p.Arg137Ter)

Gene: COL7A1 (collagen type VII alpha 1 chain; minus strand). Cytogenetic location: 3p21.31.
Variant type: single nucleotide variant.
Coding change: c.409C>T on transcript NM_000094.4 (MANE Select); coding-DNA position 409, C replaced by T.
Protein change: p.Arg137Ter; replaces arginine 137 with a stop codon.
Molecular consequence: nonsense.
Genome position (GRCh38, 1-based): chr3:48,593,554, G>A on the plus strand (C>T on the coding strand, the complement: COL7A1 is on the minus strand). VCF-style: chr3-48593554-G-A. GRCh37 (hg19) VCF-style: chr3-48630987-G-A.
Other names: short protein forms R137*.
Identifiers: ClinVar variation 449472 (VCV000449472.33), dbSNP rs1203706188, ClinGen allele CA352747807.
Genomic context (GRCh38, chr3:48,593,554, plus strand): 5'-CATTTGGGGTCATCTTGGGAGGCATGGTAGGGGTAGGGATCACCTTGGGGACACCAGGTC[G>A]GGCCAGCTGGGGCAGGAAGACATGGTCAGCCACATGGAGAATTGCAGCCCCTGTGCGAGT-3'

ClinVar aggregate classification (germline): Pathogenic. Review status: criteria provided, multiple submitters, no conflicts (2 of 4 stars). 7 submissions from 7 submitters: Pathogenic (7). Last evaluated 2025-08-07.

Conditions:
Pretibial dystrophic epidermolysis bullosa. Also called: EPIDERMOLYSIS BULLOSA DYSTROPHICA, PRETIBIAL; Pretibial epidermolysis bullosa; Pretibial blistering. Identifiers: Orphanet 79410, MedGen C0432321, MONDO:0007552, OMIM 131850, HP:0012221.
Dominant dystrophic epidermolysis bullosa with absence of skin. Also called: EPIDERMOLYSIS BULLOSA DYSTROPHICA, BART TYPE; EPIDERMOLYSIS BULLOSA WITH CONGENITAL LOCALIZED ABSENCE OF SKIN AND DEFORMITY OF NAILS. Identifiers: MedGen C0268371, MONDO:0007557, OMIM 132000.
Nonsyndromic congenital nail disorder 8. Also called: TOENAIL DYSTROPHY, ISOLATED. Identifiers: MedGen C1843761, MONDO:0011852, OMIM 607523.
Transient bullous dermolysis of the newborn (TBDN). Also called: EPIDERMOLYSIS BULLOSA DYSTROPHICA, NEONATAL FORM; DYSTROPHIC EPIDERMOLYSIS BULLOSA, NEONATAL. Identifiers: Orphanet 79411, MedGen C1851573, MONDO:0007548, OMIM 131705.
Epidermolysis bullosa pruriginosa. Also called: DEB, PRURIGINOSA; DYSTROPHIC EPIDERMOLYSIS BULLOSA PRURIGINOSA. Identifiers: Orphanet 89843, MedGen C1275114, MONDO:0011398, OMIM 604129.
Recessive dystrophic epidermolysis bullosa (RDEB). Also called: DYSTROPHIC EPIDERMOLYSIS BULLOSA, AUTOSOMAL RECESSIVE; EPIDERMOLYSIS BULLOSA DYSTROPHICA, HALLOPEAU-SIEMENS TYPE; Recessive DEB (RDEB); EPIDERMOLYSIS BULLOSA DYSTROPHICA, GENERALIZED SEVERE, AUTOSOMAL RECESSIVE; Epidermolysis Bullosa Distrophica Autosomal Recessive (RDEB); epidermolysis bullosa dystrophica, autosomal recessive. Identifiers: Orphanet 79408, Orphanet 79409, MedGen C0079474, MONDO:0009179, OMIM 226600.
Generalized dominant dystrophic epidermolysis bullosa (DDEB). Also called: Dominant DEB (DDEB); DDEB, generalized; DDEB-gen; DYSTROPHIC EPIDERMOLYSIS BULLOSA, AUTOSOMAL DOMINANT; Epidermolysis bullosa dystrophica, autosomal dominant. Identifiers: Orphanet 231568, MedGen C0432322, MONDO:0007549, OMIM 131750.
Epidermolysis bullosa dystrophica. Also called: Dystrophic epidermolysis bullosa, Hallopeau-Siemens type (formerly); Dystrophic epidermolysis bullosa. Identifiers: Orphanet 303, MedGen C0079294, MONDO:0006543.

gnomAD v4.1: 6 of 1,614,144 alleles (0.00037%); highest among the groups gnomAD compares: Admixed American, 0.0017%; no homozygotes.

Submissions (7):

Labcorp Genetics (formerly Invitae), Labcorp
Classification: Pathogenic. Last evaluated: 2025-08-07. Review status: criteria provided, single submitter. Criteria: Invitae Variant Classification Sherloc (09022015). Collection method: clinical testing. Allele origin: germline.
Comment: This sequence change creates a premature translational stop signal (p.Arg137*) in the COL7A1 gene. It is expected to result in an absent or disrupted protein product. Loss-of-function variants in COL7A1 are known to be pathogenic (PMID: 16971478). This variant is not present in population databases (gnomAD no frequency). This premature translational stop signal has been observed in individual(s) with autosomal recessive dystrophic epidermolysis bullosa (PMID: 16189623). ClinVar contains an entry for this variant (Variation ID: 449472). Algorithms developed to predict the effect of sequence changes on RNA splicing suggest that this variant may disrupt the consensus splice site. For these reasons, this variant has been classified as Pathogenic.

Natera, Inc.
Classification: Pathogenic for Dystrophic epidermolysis bullosa. Last evaluated: 2024-11-10. Review status: criteria provided, single submitter. Criteria: Natera Variant Classification Schema (03/2026). Collection method: clinical testing. Allele origin: germline.
Comment: The c.409C>T variant in COL7A1 is a nonsense variant predicted to introduce a stop codon at amino acid 137. This variant is expected to result in nonsense mediated decay, truncation, or a dysfunctional protein product. This variant is rare in the general population with a frequency below the threshold expected for the associated phenotype(s). This variant has been observed in one or more individuals affected with the associated recessive disease, as either homozygous or compound heterozygous with a second variant (PMID: 16189623, 34597860). Given the available evidence, this variant is classified as Pathogenic.

Myriad Genetics, Inc.
Classification: Pathogenic for Recessive dystrophic epidermolysis bullosa. Last evaluated: 2024-08-01. Review status: criteria provided, single submitter. Criteria: Myriad Autosomal Dominant, Autosomal Recessive and X-Linked Classification Criteria (2023). Collection method: clinical testing. Allele origin: unknown.
Comment: NM_000094.3(COL7A1):c.409C>T(R137*) is expected to be pathogenic in the context of dystrophic epidermolysis bullosa. This variant is predicted to lead to an abnormal or absent protein product due to the creation of a premature termination codon in COL7A1, a gene where loss-of-function variants are known to be pathogenic. Please note: this variant was assessed in the context of healthy population screening.

Revvity Omics, Revvity
Classification: Pathogenic. Last evaluated: 2024-06-18. Review status: criteria provided, single submitter. Criteria: ACMG Guidelines, 2015. Collection method: clinical testing. Allele origin: germline.

Center for Research in Genodermatoses and Epidermolysis Bullosa, University of Buenos Aires
Classification: Pathogenic for Recessive dystrophic epidermolysis bullosa. Last evaluated: 2022-03-14. Review status: criteria provided, single submitter. Criteria: ACMG Guidelines, 2015. Collection method: clinical testing. Allele origin: maternal. Affected: yes. Observed: 1 variant allele, 1 compound heterozygote.

Fulgent Genetics
Classification: Pathogenic for Transient bullous dermolysis of the newborn; Generalized dominant dystrophic epidermolysis bullosa; Pretibial dystrophic epidermolysis bullosa; Dominant dystrophic epidermolysis bullosa with absence of skin; Recessive dystrophic epidermolysis bullosa; Epidermolysis bullosa pruriginosa; Nonsyndromic congenital nail disorder 8. Last evaluated: 2018-10-31. Review status: criteria provided, single submitter. Criteria: ACMG Guidelines, 2015. Collection method: clinical testing. Allele origin: unknown.

GeneDx
Classification: Pathogenic. Last evaluated: 2017-08-17. Review status: criteria provided, single submitter. Criteria: GeneDx Variant Classification (06012015). Collection method: clinical testing. Allele origin: germline. Affected: yes.
Comment: This variant is not observed in large population cohorts (Lek et al., 2016; 1000 Genomes Consortium et al., 2015; Exome Variant Server). The R137X is predicted to cause loss of normal protein function either through protein truncation or nonsense-mediated mRNA decay. However, a therapeutic study of aminoglycoside treatment on cells transfected with R137X improved readthrough and resulted in some synthesis and secretion of a stable full-length collagen VII protein (Cogan et al., 2014). We interpret R137X as a pathogenic variant.

Literature cited by the submitters: PubMed 16971478 (cited by Labcorp Genetics (formerly Invitae), Labcorp); PubMed 16189623 (cited by 3 submitters); PubMed 34597860 (cited by Natera, Inc.); PubMed 35979658 (cited by Center for Research in Genodermatoses and Epidermolysis Bullosa, University of Buenos Aires).